The following is an entry in ClinVar:

NM_015375.3(DSTYK):c.635T>C (p.Met212Thr)

Gene: DSTYK (dual serine/threonine and tyrosine protein kinase; minus strand). Cytogenetic location: 1q32.1.
Variant type: single nucleotide variant.
Coding change: c.635T>C on transcript NM_015375.3 (MANE Select); coding-DNA position 635, T replaced by C.
Protein change: p.Met212Thr; replaces methionine 212 with threonine.
Molecular consequence: missense variant.
Genome position (GRCh38, 1-based): chr1:205,187,437, A>G on the plus strand (T>C on the coding strand, the complement: DSTYK is on the minus strand). VCF-style: chr1-205187437-A-G. GRCh37 (hg19) VCF-style: chr1-205156565-A-G.
Other names: c.635T>C, p.Met212Thr (NM_199462.3); short protein forms M212T.
Identifiers: ClinVar variation 3764616 (VCV003764616.1).
Genomic context (GRCh38, chr1:205,187,437, plus strand): 5'-TATATATGTATACAATTGGTATAGAAGTATGAGATTGGTACCTGTAAGAGAGCATGGTGC[A>G]TCGTTACCTCCAGTTCCGCTAAAACATGAGCAGCATCCTCATTGTTCTCTTGGACCTCCA-3'
Protein context (NP_056190.1, residues 202-222): AHVLAELEVT[Met212Thr]HHALLQEVDV

ClinVar aggregate classification (germline): Uncertain significance (1 of 4 stars; one submission).

Conditions:
DSTYK-related disroder.

gnomAD v4.1: 11 of 1,612,266 alleles (0.00068%); highest among the groups gnomAD compares: Middle Eastern, 0.083%; 2 homozygotes.

Submission:

Daryl Scott Lab, Baylor College of Medicine
Classification: Uncertain significance for DSTYK-related disroder. Last evaluated: 2024-01-01. Review status: criteria provided, single submitter. Criteria: ACMG Guidelines, 2015. Collection method: clinical testing. Allele origin: unknown. Observed: 1 heterozygote.
Comment: PM2